The following is an entry in ClinVar:

Single allele

Gene: ENG (endoglin; minus strand). Cytogenetic location: 9q34.11.
Variant type: Deletion.
Identifiers: ClinVar variation 982459 (VCV000982459.1).

ClinVar aggregate classification (germline): Pathogenic (1 of 4 stars; one submission).

Conditions:
Telangiectasia, hereditary hemorrhagic, type 1 (HHT1). Also called: Osler Weber Rendu syndrome type 1; ENG-Related Hereditary Hemorrhagic Telangiectasia. Identifiers: Orphanet 774, MedGen C4551861, MONDO:0008535, OMIM 187300. Disease mechanism: loss of function.

Submission:

NIHR Bioresource Rare Diseases, University of Cambridge
Classification: Pathogenic for Telangiectasia, hereditary hemorrhagic, type 1. Last evaluated: 2018-01-01. Review status: criteria provided, single submitter. Criteria: ACMG Guidelines, 2015. Collection method: research. Allele origin: unknown. Affected: yes. Observed: 1 variant allele.
Comment: PVS1+PM2+PP4

Literature cited by the submitters: PubMed 32573726.